The following is an entry in ClinVar:

ClinVar aggregate classification (germline): Uncertain significance. Review status: criteria provided, single submitter (1 of 4 stars). 2 submissions from 2 submitters: Uncertain significance (1). 1 of the submissions does not count toward it. Last evaluated 2022-10-05.

Conditions:
Fanconi anemia (FA). Also called: Fanconi's anemia. Identifiers: Orphanet 84, MedGen C0015625, MeSH D005199, MONDO:0019391.

Allele frequency attached by ClinVar (database versions not stated): ExAC 0.00001; gnomAD 0.00001.
gnomAD v4.1: 67 of 1,613,816 alleles (0.0042%); highest among the groups gnomAD compares: Non-Finnish European, 0.0055%; no homozygotes.

Submissions (2):

Labcorp Genetics (formerly Invitae), Labcorp
Classification: Uncertain significance for Fanconi anemia. Last evaluated: 2022-10-05. Review status: criteria provided, single submitter. Criteria: Invitae Variant Classification Sherloc (09022015). Collection method: clinical testing. Allele origin: germline.
Comment: This sequence change replaces histidine, which is basic and polar, with asparagine, which is neutral and polar, at codon 934 of the FANCA protein (p.His934Asn). This variant is present in population databases (rs774871582, gnomAD 0.004%). This variant has not been reported in the literature in individuals affected with FANCA-related conditions. ClinVar contains an entry for this variant (Variation ID: 579205). Advanced modeling of protein sequence and biophysical properties (such as structural, functional, and spatial information, amino acid conservation, physicochemical variation, residue mobility, and thermodynamic stability) performed at Invitae indicates that this missense variant is not expected to disrupt FANCA protein function. In summary, the available evidence is currently insufficient to determine the role of this variant in disease. Therefore, it has been classified as a Variant of Uncertain Significance.

Natera, Inc.
Classification: Uncertain significance for Fanconi anemia. Last evaluated: 2019-10-28. Review status: no assertion criteria provided. Collection method: clinical testing. Allele origin: germline. Not counted in ClinVar's aggregate classification.

NM_000135.4(FANCA):c.2800C>A (p.His934Asn)

Gene: FANCA (FA complementation group A; minus strand). Cytogenetic location: 16q24.3.
Variant type: single nucleotide variant.
Coding change: c.2800C>A on transcript NM_000135.4 (MANE Select); coding-DNA position 2800, C replaced by A.
Protein change: p.His934Asn; replaces histidine 934 with asparagine.
Molecular consequence: missense variant.
Genome position (GRCh38, 1-based): chr16:89,762,001, G>T on the plus strand (C>A on the coding strand, the complement: FANCA is on the minus strand). VCF-style: chr16-89762001-G-T. GRCh37 (hg19) VCF-style: chr16-89828409-G-T.
Other names: c.2800C>A (LRG_495t1); c.2800C>A, p.His934Asn (NM_001286167.3); short protein forms H934N.
Identifiers: ClinVar variation 579205 (VCV000579205.8), dbSNP rs774871582, ClinGen allele CA8251498.